The following is an entry in ClinVar:

ClinVar aggregate classification (germline): Uncertain significance (1 of 4 stars; one submission).

Allele frequency attached by ClinVar (database versions not stated): TOPMed below 0.00001.

Submission:

Labcorp Genetics (formerly Invitae), Labcorp
Classification: Uncertain significance. Last evaluated: 2022-09-10. Review status: criteria provided, single submitter. Criteria: Invitae Variant Classification Sherloc (09022015). Collection method: clinical testing. Allele origin: germline.
Comment: In summary, the available evidence is currently insufficient to determine the role of this variant in disease. Therefore, it has been classified as a Variant of Uncertain Significance. Algorithms developed to predict the effect of missense changes on protein structure and function output the following: SIFT: "Tolerated"; PolyPhen-2: "Benign"; Align-GVGD: "Class C0". The alanine amino acid residue is found in multiple mammalian species, which suggests that this missense change does not adversely affect protein function. This variant has not been reported in the literature in individuals affected with FCHO1-related conditions. This variant is not present in population databases (gnomAD no frequency). This sequence change replaces threonine, which is neutral and polar, with alanine, which is neutral and non-polar, at codon 166 of the FCHO1 protein (p.Thr166Ala).

NM_015122.3(FCHO1):c.496A>G (p.Thr166Ala)

Gene: FCHO1 (FCH and mu domain containing endocytic adaptor 1; plus strand). Cytogenetic location: 19p13.11.
Variant type: single nucleotide variant.
Coding change: c.496A>G on transcript NM_015122.3 (MANE Select); coding-DNA position 496, A replaced by G.
Protein change: p.Thr166Ala; replaces threonine 166 with alanine.
Molecular consequence: missense variant. On other transcripts: non-coding transcript variant (36).
Genome position (GRCh38, 1-based): chr19:17,770,798, A>G. VCF-style: chr19-17770798-A-G. GRCh37 (hg19) VCF-style: chr19-17881607-A-G.
Other names: c.496A>G, p.Thr166Ala (NM_001161357.2, NM_001161358.2, NM_001384370.1 and 26 more transcripts); c.346A>G, p.Thr116Ala (NM_001161359.2, NM_001384384.1, NM_001384385.1 and 3 more transcripts); c.457A>G, p.Thr153Ala (NM_001384388.1, NM_001384389.1, NM_001384405.1); c.421A>G, p.Thr141Ala (NM_001384390.1); short protein forms T116A, T153A, T141A, T166A.
Identifiers: ClinVar variation 1902539 (VCV001902539.3), dbSNP rs543572863, ClinGen allele CA306110954.